The following is an entry in ClinVar:

NM_032634.4(PIGO):c.1662G>A (p.Leu554=)

Gene: PIGO (phosphatidylinositol glycan anchor biosynthesis class O; minus strand). Cytogenetic location: 9p13.3.
Variant type: single nucleotide variant.
Coding change: c.1662G>A on transcript NM_032634.4 (MANE Select); coding-DNA position 1662, G replaced by A.
Protein change: p.Leu554=; no amino-acid change (leucine 554 retained).
Molecular consequence: synonymous variant. On other transcripts: intron variant (2).
Genome position (GRCh38, 1-based): chr9:35,092,225, C>T on the plus strand (G>A on the coding strand, the complement: PIGO is on the minus strand). VCF-style: chr9-35092225-C-T. GRCh37 (hg19) VCF-style: chr9-35092222-C-T.
Other names: c.1344+318G>A (NM_152850.4, NM_001201484.2).
Identifiers: ClinVar variation 385280 (VCV000385280.17), dbSNP rs369433160, ClinGen allele CA5040593.
Genomic context (GRCh38, chr9:35,092,225, plus strand): 5'-GGGGGTGGCCCTGGCCTCAGCTACAACAAAACTATCAGAGAAGAACACAGCCAAGCGAAA[C>T]AGCAGGAGTAACAGGACGGGCCCAGGGATGGGAAACAGGGTTGCCAGGGGCCTCTTGGAC-3'
Protein context (NP_116023.2, residues 544-564): PIPGPVLLLL[Leu554=]FRLAVFFSDS

ClinVar aggregate classification (germline): Likely benign. Review status: criteria provided, multiple submitters, no conflicts (2 of 4 stars). 5 submissions from 5 submitters: Likely benign (4). 1 of the submissions does not count toward it. Last evaluated 2026-07-01.

Conditions:
Hyperphosphatasia with impaired intellectual development syndrome 2. Also called: GLYCOSYLPHOSPHATIDYLINOSITOL BIOSYNTHESIS DEFECT 6; Hyperphosphatasia with intellectual disability syndrome 2. Identifiers: Orphanet 247262, MedGen C3553637, MONDO:0013882, OMIM 614749.
PIGO-related disorder. Also called: PIGO-related condition.

Allele frequency attached by ClinVar (database versions not stated): gnomAD 0.00006 and 0.00007; TOPMed 0.00006; ExAC 0.00017; 1000 Genomes Project 0.00020; 1000 Genomes Project 30x 0.00016; gnomAD exomes 0.00018; ESP Exome Variant Server 0.00008.
gnomAD v4.1: 201 of 1,614,210 alleles (0.012%); highest among the groups gnomAD compares: South Asian, 0.12%; 3 homozygotes.

Submissions (5):

CeGaT Center for Human Genetics Tuebingen
Classification: Likely benign. Last evaluated: 2026-07-01. Review status: criteria provided, single submitter. Criteria: CeGaT Center For Human Genetics Tuebingen Variant Classification Criteria Version 2. Collection method: clinical testing. Allele origin: germline. Affected: yes. Observed: 1 variant allele.
Comment: PIGO: BP4, BP7

Labcorp Genetics (formerly Invitae), Labcorp
Classification: Likely benign for Hyperphosphatasia with impaired intellectual development syndrome 2. Last evaluated: 2025-08-18. Review status: criteria provided, single submitter. Criteria: Invitae Variant Classification Sherloc (09022015). Collection method: clinical testing. Allele origin: germline.

Fulgent Genetics
Classification: Likely benign for Hyperphosphatasia with impaired intellectual development syndrome 2. Last evaluated: 2022-03-16. Review status: criteria provided, single submitter. Criteria: ACMG Guidelines, 2015. Collection method: clinical testing. Allele origin: unknown.

GeneDx
Classification: Likely benign. Last evaluated: 2020-06-30. Review status: criteria provided, single submitter. Criteria: GeneDx Variant Classification Process June 2021. Collection method: clinical testing. Allele origin: germline. Affected: yes.

PreventionGenetics, part of Exact Sciences
Classification: Likely benign for PIGO-related condition. Last evaluated: 2019-05-01. Review status: no assertion criteria provided. Collection method: clinical testing. Allele origin: germline. Not counted in ClinVar's aggregate classification.
Comment: This variant is classified as likely benign based on ACMG/AMP sequence variant interpretation guidelines (Richards et al. 2015 PMID: 25741868, with internal and published modifications).